The following is an entry in ClinVar:

ClinVar aggregate classification (germline): Likely benign. Review status: criteria provided, multiple submitters, no conflicts (2 of 4 stars). 4 submissions from 4 submitters: Likely benign (4). Last evaluated 2025-10-22.

Conditions:
PRPF8-related disorder. Also called: PRPF8-related condition.

Allele frequency attached by ClinVar (database versions not stated): ExAC 0.00003; gnomAD exomes 0.00003 and 0.00005; gnomAD 0.00006; TOPMed 0.00007; ESP Exome Variant Server 0.00008.
gnomAD v4.1: 77 of 1,614,042 alleles (0.0048%); highest among the groups gnomAD compares: Middle Eastern, 0.016%; no homozygotes.

Submissions (4):

Labcorp Genetics (formerly Invitae), Labcorp
Classification: Likely benign. Last evaluated: 2025-10-22. Review status: criteria provided, single submitter. Criteria: Invitae Variant Classification Sherloc (09022015). Collection method: clinical testing. Allele origin: germline.

PreventionGenetics, part of Exact Sciences
Classification: Likely benign for PRPF8-related condition. Last evaluated: 2024-11-03. Review status: criteria provided, single submitter. Criteria: ACMG Guidelines, 2015. Collection method: clinical testing. Allele origin: germline.
Comment: This variant is classified as likely benign based on ACMG/AMP sequence variant interpretation guidelines (Richards et al. 2015 PMID: 25741868, with internal and published modifications).

Blueprint Genetics
Classification: Likely benign. Last evaluated: 2024-09-18. Review status: criteria provided, single submitter. Criteria: ACMG Guidelines, 2015. Collection method: clinical testing. Allele origin: germline.

CeGaT Center for Human Genetics Tuebingen
Classification: Likely benign. Last evaluated: 2024-06-01. Review status: criteria provided, single submitter. Criteria: CeGaT Center For Human Genetics Tuebingen Variant Classification Criteria Version 2. Collection method: clinical testing. Allele origin: germline. Affected: yes. Observed: 3 variant alleles.
Comment: PRPF8: BP4, BP7

NM_006445.4(PRPF8):c.1221C>T (p.Ala407=)

Gene: PRPF8 (pre-mRNA processing factor 8; minus strand). Cytogenetic location: 17p13.3.
Variant type: single nucleotide variant.
Coding change: c.1221C>T on transcript NM_006445.4 (MANE Select); coding-DNA position 1221, C replaced by T.
Protein change: p.Ala407=; no amino-acid change (alanine 407 retained).
Molecular consequence: synonymous variant.
Genome position (GRCh38, 1-based): chr17:1,679,677, G>A on the plus strand (C>T on the coding strand, the complement: PRPF8 is on the minus strand). VCF-style: chr17-1679677-G-A. GRCh37 (hg19) VCF-style: chr17-1582971-G-A.
Other names: c.1221C>T (NM_006445.3).
Identifiers: ClinVar variation 808183 (VCV000808183.51), dbSNP rs374996889, ClinGen allele CA8272416.